The following is an entry in ClinVar:

NM_014669.5(NUP93):c.927+10A>G

Gene: NUP93 (nucleoporin 93; plus strand). Cytogenetic location: 16q13.
Variant type: single nucleotide variant.
Coding change: c.927+10A>G on transcript NM_014669.5 (MANE Select); 10 bases into the intron after coding-DNA position 927, A replaced by G.
Molecular consequence: intron variant.
Genome position (GRCh38, 1-based): chr16:56,829,119, A>G. VCF-style: chr16-56829119-A-G. GRCh37 (hg19) VCF-style: chr16-56863031-A-G.
Other names: c.558+10A>G (NM_001242795.2, NM_001242796.2).
Identifiers: ClinVar variation 3055178 (VCV003055178.4), dbSNP rs573631580, ClinGen allele CA8068262.

ClinVar aggregate classification (germline): Likely benign. Review status: criteria provided, single submitter (1 of 4 stars). 2 submissions from 2 submitters: Likely benign (1). 1 of the submissions does not count toward it. Last evaluated 2024-04-29.

Conditions:
NUP93-related disorder. Also called: NUP93-related condition.

Allele frequency attached by ClinVar (database versions not stated): gnomAD exomes 0.00001; ExAC 0.00002; TOPMed 0.00002; gnomAD 0.00003; 1000 Genomes Project 30x 0.00016; 1000 Genomes Project 0.00020.
gnomAD v4.1: 15 of 1,609,262 alleles (0.00093%); highest among the groups gnomAD compares: East Asian, 0.027%; no homozygotes.

Submissions (2):

Labcorp Genetics (formerly Invitae), Labcorp
Classification: Likely benign. Last evaluated: 2024-04-29. Review status: criteria provided, single submitter. Criteria: Invitae Variant Classification Sherloc (09022015). Collection method: clinical testing. Allele origin: germline.

PreventionGenetics, part of Exact Sciences
Classification: Likely benign for NUP93-related condition. Last evaluated: 2023-03-15. Review status: no assertion criteria provided. Collection method: clinical testing. Allele origin: germline. Not counted in ClinVar's aggregate classification.
Comment: This variant is classified as likely benign based on ACMG/AMP sequence variant interpretation guidelines (Richards et al. 2015 PMID: 25741868, with internal and published modifications).